The following is an entry in ClinVar:

NM_002693.3(POLG):c.3175A>G (p.Asn1059Asp)

Gene: POLG (DNA polymerase gamma, catalytic subunit; minus strand). Cytogenetic location: 15q26.1.
Variant type: single nucleotide variant.
Coding change: c.3175A>G on transcript NM_002693.3 (MANE Select); coding-DNA position 3175, A replaced by G.
Protein change: p.Asn1059Asp; replaces asparagine 1059 with aspartic acid.
Molecular consequence: missense variant.
Genome position (GRCh38, 1-based): chr15:89,319,029, T>C on the plus strand (A>G on the coding strand, the complement: POLG is on the minus strand). VCF-style: chr15-89319029-T-C. GRCh37 (hg19) VCF-style: chr15-89862260-T-C.
Other names: c.3175A>G (NM_002693.2); c.3175A>G, p.Asn1059Asp (NM_001126131.2); short protein forms N1059D.
Identifiers: ClinVar variation 1517311 (VCV001517311.10), dbSNP rs2152059350, ClinGen allele CA393750856.

ClinVar aggregate classification (germline): Uncertain significance. Review status: criteria provided, multiple submitters, no conflicts (2 of 4 stars). 2 submissions from 2 submitters: Uncertain significance (2). Last evaluated 2024-10-07.

Conditions:
Inborn genetic diseases. Identifiers: MedGen C0950123, MeSH D030342.
Progressive sclerosing poliodystrophy (MTDPS4A). Also called: ALPERS PROGRESSIVE INFANTILE POLIODYSTROPHY; NEURONAL DEGENERATION OF CHILDHOOD WITH LIVER DISEASE, PROGRESSIVE; Mitochondrial DNA Depletion Syndrome 4A; Alpers-Huttenlocher Syndrome (AHS); Alpers Syndrome; ALPERS DIFFUSE DEGENERATION OF CEREBRAL GRAY MATTER WITH HEPATIC CIRRHOSIS. Identifiers: Orphanet 726, MedGen C0205710, MONDO:0008758, OMIM 203700.

gnomAD v4.1: 2 of 1,614,168 alleles (0.00012%); highest among the groups gnomAD compares: Non-Finnish European, 0.000085%; no homozygotes.

Submissions (2):

Labcorp Genetics (formerly Invitae), Labcorp
Classification: Uncertain significance for Progressive sclerosing poliodystrophy. Last evaluated: 2024-10-07. Review status: criteria provided, single submitter. Criteria: Invitae Variant Classification Sherloc (09022015). Collection method: clinical testing. Allele origin: germline.
Comment: This sequence change replaces asparagine, which is neutral and polar, with aspartic acid, which is acidic and polar, at codon 1059 of the POLG protein (p.Asn1059Asp). This variant is not present in population databases (gnomAD no frequency). This variant has not been reported in the literature in individuals affected with POLG-related conditions. ClinVar contains an entry for this variant (Variation ID: 1517311). Invitae Evidence Modeling of protein sequence and biophysical properties (such as structural, functional, and spatial information, amino acid conservation, physicochemical variation, residue mobility, and thermodynamic stability) indicates that this missense variant is expected to disrupt POLG protein function with a positive predictive value of 95%. In summary, the available evidence is currently insufficient to determine the role of this variant in disease. Therefore, it has been classified as a Variant of Uncertain Significance.

Ambry Genetics
Classification: Uncertain significance for Inborn genetic diseases. Last evaluated: 2023-01-10. Review status: criteria provided, single submitter. Criteria: Ambry Variant Classification Scheme 2023. Collection method: clinical testing. Allele origin: germline.